The following is an entry in ClinVar:

NM_004100.5(EYA4):c.250A>C (p.Ser84Arg)

Gene: EYA4 (EYA transcriptional coactivator and phosphatase 4; plus strand). Cytogenetic location: 6q23.2.
Variant type: single nucleotide variant.
Coding change: c.250A>C on transcript NM_004100.5 (MANE Select); coding-DNA position 250, A replaced by C.
Protein change: p.Ser84Arg; replaces serine 84 with arginine.
Molecular consequence: missense variant. On other transcripts: intron variant (4).
Genome position (GRCh38, 1-based): chr6:133,448,152, A>C. VCF-style: chr6-133448152-A-C. GRCh37 (hg19) VCF-style: chr6-133769290-A-C.
Other names: c.250A>C, p.Ser84Arg (NM_001301013.2, NM_172105.4); c.208+1398A>C (NM_001370458.1, NM_172103.4, NM_001370459.1 and 1 more transcripts); short protein forms S84R.
Identifiers: ClinVar variation 3663031 (VCV003663031.2).

ClinVar aggregate classification (germline): Uncertain significance (1 of 4 stars; one submission).

Conditions:
Dilated cardiomyopathy 1J (CMD1J). Also called: CARDIOMYOPATHY, DILATED, WITH SENSORINEURAL HEARING LOSS, AUTOSOMAL DOMINANT. Identifiers: Orphanet 217622, MedGen C1854368, MONDO:0011541, OMIM 605362.

gnomAD v4.1: 1 of 1,613,748 alleles (0.000062%); highest among the groups gnomAD compares: Non-Finnish European, 0.000085%; no homozygotes.

Submission:

Labcorp Genetics (formerly Invitae), Labcorp
Classification: Uncertain significance for Dilated cardiomyopathy 1J. Last evaluated: 2024-12-08. Review status: criteria provided, single submitter. Criteria: Invitae Variant Classification Sherloc (09022015). Collection method: clinical testing. Allele origin: germline.
Comment: This sequence change replaces serine, which is neutral and polar, with arginine, which is basic and polar, at codon 84 of the EYA4 protein (p.Ser84Arg). This variant is not present in population databases (gnomAD no frequency). This variant has not been reported in the literature in individuals affected with EYA4-related conditions. An algorithm developed to predict the effect of missense changes on protein structure and function (PolyPhen-2) suggests that this variant is likely to be disruptive. In summary, the available evidence is currently insufficient to determine the role of this variant in disease. Therefore, it has been classified as a Variant of Uncertain Significance.